The following is an entry in ClinVar:

ClinVar aggregate classification (germline): Uncertain significance (1 of 4 stars; one submission).

Conditions:
Inborn genetic diseases. Identifiers: MedGen C0950123, MeSH D030342.

Submission:

Ambry Genetics
Classification: Uncertain significance for Inborn genetic diseases. Last evaluated: 2017-08-11. Review status: criteria provided, single submitter. Criteria: Ambry Variant Classification Scheme 2023. Collection method: clinical testing. Allele origin: germline.
Comment: The p.P727L variant (also known as c.2180C>T), located in coding exon 13 of the SCN2A gene, results from a C to T substitution at nucleotide position 2180. The proline at codon 727 is replaced by leucine, an amino acid with similar properties. This amino acid position is well conserved in available vertebrate species. In addition, this alteration is predicted to be deleterious by in silico analysis. Since supporting evidence is limited at this time, the clinical significance of this alteration remains unclear.

NM_001040142.2(SCN2A):c.2180C>T (p.Pro727Leu)

Gene: SCN2A (sodium voltage-gated channel alpha subunit 2; plus strand). Cytogenetic location: 2q24.3.
Variant type: single nucleotide variant.
Coding change: c.2180C>T on transcript NM_001040142.2 (MANE Select); coding-DNA position 2180, C replaced by T.
Protein change: p.Pro727Leu; replaces proline 727 with leucine.
Molecular consequence: missense variant.
Genome position (GRCh38, 1-based): chr2:165,331,360, C>T. VCF-style: chr2-165331360-C-T. GRCh37 (hg19) VCF-style: chr2-166187870-C-T.
Other names: c.2180C>T, p.Pro727Leu (NM_001040143.2, NM_001371246.1, NM_001371247.1 and 1 more transcripts); short protein forms P727L.
Identifiers: ClinVar variation 1787262 (VCV001787262.2), dbSNP rs2467961595, ClinGen allele CA349030565.